The following is an entry in ClinVar:

NM_025132.4(WDR19):c.2684C>A (p.Pro895His)

Gene: WDR19 (WD repeat domain 19; plus strand). Cytogenetic location: 4p14.
Variant type: single nucleotide variant.
Coding change: c.2684C>A on transcript NM_025132.4 (MANE Select); coding-DNA position 2684, C replaced by A.
Protein change: p.Pro895His; replaces proline 895 with histidine.
Molecular consequence: missense variant.
Genome position (GRCh38, 1-based): chr4:39,245,407, C>A. VCF-style: chr4-39245407-C-A. GRCh37 (hg19) VCF-style: chr4-39247027-C-A.
Other names: c.2204C>A, p.Pro735His (NM_001317924.2); short protein forms P735H, P895H.
Identifiers: ClinVar variation 1380526 (VCV001380526.6), dbSNP rs774529884, ClinGen allele CA356639166.

ClinVar aggregate classification (germline): Uncertain significance (1 of 4 stars; one submission).

Conditions:
Asphyxiating thoracic dystrophy 5 (SRTD5). Also called: SHORT-RIB THORACIC DYSPLASIA 5 WITH OR WITHOUT POLYDACTYLY; SHORT-RIB THORACIC DYSPLASIA 5 WITHOUT POLYDACTYLY. Identifiers: Orphanet 474, MedGen C3280598, MONDO:0013717, OMIM 614376.
Senior-Loken syndrome 8 (SLSN8). Identifiers: Orphanet 3156, MedGen C4225376, MONDO:0014579, OMIM 616307.

Submission:

Labcorp Genetics (formerly Invitae), Labcorp
Classification: Uncertain significance for Senior-Loken syndrome 8; Asphyxiating thoracic dystrophy 5. Last evaluated: 2021-09-10. Review status: criteria provided, single submitter. Criteria: Invitae Variant Classification Sherloc (09022015). Collection method: clinical testing. Allele origin: germline.
Comment: Algorithms developed to predict the effect of missense changes on protein structure and function are either unavailable or do not agree on the potential impact of this missense change (SIFT: "Deleterious"; PolyPhen-2: "Benign"; Align-GVGD: "Class C0"). This variant has not been reported in the literature in individuals affected with WDR19-related conditions. This variant is not present in population databases (ExAC no frequency). This sequence change replaces proline with histidine at codon 895 of the WDR19 protein (p.Pro895His). The proline residue is highly conserved and there is a moderate physicochemical difference between proline and histidine. In summary, the available evidence is currently insufficient to determine the role of this variant in disease. Therefore, it has been classified as a Variant of Uncertain Significance.